The following is an entry in ClinVar:

NM_002529.4(NTRK1):c.538C>T (p.Gln180Ter)

Gene: NTRK1 (neurotrophic receptor tyrosine kinase 1; plus strand). Cytogenetic location: 1q23.1.
Variant type: single nucleotide variant.
Coding change: c.538C>T on transcript NM_002529.4 (MANE Select); coding-DNA position 538, C replaced by T.
Protein change: p.Gln180Ter; replaces glutamine 180 with a stop codon.
Molecular consequence: nonsense.
Genome position (GRCh38, 1-based): chr1:156,868,213, C>T. VCF-style: chr1-156868213-C-T. GRCh37 (hg19) VCF-style: chr1-156838005-C-T.
Other names: c.448C>T, p.Gln150Ter (NM_001007792.1); c.538C>T, p.Gln180Ter (NM_001012331.2); short protein forms Q180*, Q150*.
Identifiers: ClinVar variation 659393 (VCV000659393.11), dbSNP rs1571689751, ClinGen allele CA342933950.

ClinVar aggregate classification (germline): Pathogenic/Likely pathogenic. Review status: criteria provided, multiple submitters, no conflicts (2 of 4 stars). 4 submissions from 4 submitters: Pathogenic (3); Likely pathogenic (1). Last evaluated 2025-04-20.

Conditions:
Inborn genetic diseases. Identifiers: MedGen C0950123, MeSH D030342.
Hereditary insensitivity to pain with anhidrosis (CIPA). Also called: HSAN Type IV; hereditary sensory and autonomic neuropathy type 4; FAMILIAL DYSAUTONOMIA, TYPE II; NEUROPATHY, CONGENITAL SENSORY, WITH ANHIDROSIS; NTRK1 Congenital Insensitivity to Pain with Anhidrosis; INSENSITIVITY TO PAIN, CONGENITAL, WITH ANHIDROSIS. Identifiers: Orphanet 642, MedGen C0020074, MONDO:0009746, OMIM 256800.

Allele frequency attached by ClinVar (database versions not stated): TOPMed below 0.00001.
gnomAD v4.1: 1 of 1,612,620 alleles (0.000062%); highest among the groups gnomAD compares: Non-Finnish European, 0.000085%; no homozygotes.

Submissions (4):

Labcorp Genetics (formerly Invitae), Labcorp
Classification: Pathogenic for Hereditary insensitivity to pain with anhidrosis. Last evaluated: 2025-04-20. Review status: criteria provided, single submitter. Criteria: Invitae Variant Classification Sherloc (09022015). Collection method: clinical testing. Allele origin: germline.
Comment: This sequence change creates a premature translational stop signal (p.Gln180*) in the NTRK1 gene. It is expected to result in an absent or disrupted protein product. Loss-of-function variants in NTRK1 are known to be pathogenic (PMID: 10982191). This variant is not present in population databases (gnomAD no frequency). This variant has not been reported in the literature in individuals affected with NTRK1-related conditions. ClinVar contains an entry for this variant (Variation ID: 659393). Algorithms developed to predict the effect of sequence changes on RNA splicing suggest that this variant may disrupt the consensus splice site. For these reasons, this variant has been classified as Pathogenic.

Natera, Inc.
Classification: Likely pathogenic for Hereditary insensitivity to pain with anhidrosis. Last evaluated: 2024-12-05. Review status: criteria provided, single submitter. Criteria: Natera Variant Classification Schema (03/2026). Collection method: clinical testing. Allele origin: germline.
Comment: The c.538C>T variant in NTRK1 is a nonsense variant predicted to introduce a stop codon at amino acid 180. This variant is expected to result in nonsense mediated decay, truncation, or a dysfunctional protein product. This variant is rare in the general population with a frequency below the threshold expected for the associated phenotype(s). Given the available evidence, this variant is classified as Likely Pathogenic.

Genome-Nilou Lab
Classification: Pathogenic for Hereditary insensitivity to pain with anhidrosis. Last evaluated: 2023-04-11. Review status: criteria provided, single submitter. Criteria: ACMG Guidelines, 2015. Collection method: clinical testing. Allele origin: germline. Affected: no.

Ambry Genetics
Classification: Pathogenic for Inborn genetic diseases. Last evaluated: 2020-03-17. Review status: criteria provided, single submitter. Criteria: Ambry Variant Classification Scheme 2023. Collection method: clinical testing. Allele origin: germline.
Comment: The p.Q180* variant (also known as c.538C>T), located in coding exon 5 of the NTRK1 gene, results from a C to T substitution at nucleotide position 538. This changes the amino acid from a glutamine to a stop codon within coding exon 5. This alteration is expected to result in loss of function by premature protein truncation or nonsense-mediated mRNA decay. As such, this alteration is interpreted as a disease-causing mutation.

Literature cited by the submitters: PubMed 10982191 (cited by Labcorp Genetics (formerly Invitae), Labcorp).